The following is an entry in ClinVar:

NM_145046.5(CALR3):c.702C>T (p.Asp234=)

Gene: CALR3 (calreticulin 3; minus strand). Cytogenetic location: 19p13.11.
Variant type: single nucleotide variant.
Coding change: c.702C>T on transcript NM_145046.5 (MANE Select); coding-DNA position 702, C replaced by T.
Protein change: p.Asp234=; no amino-acid change (aspartic acid 234 retained).
Molecular consequence: synonymous variant.
Genome position (GRCh38, 1-based): chr19:16,482,762, G>A on the plus strand (C>T on the coding strand, the complement: CALR3 is on the minus strand). VCF-style: chr19-16482762-G-A. GRCh37 (hg19) VCF-style: chr19-16593573-G-A.
Identifiers: ClinVar variation 496548 (VCV000496548.16), dbSNP rs10403020, ClinGen allele CA9278311.
Genomic context (GRCh38, chr19:16,482,762, plus strand): 5'-CGGCGCTGGCCAGTCCCCATCCAGGTCACCGTTCCAGTCGCTCTGCTTGCTGGTGCTGGC[G>A]TCCAGAAAATGCTTCTCCCAGTCCTTCAAAGACATGTAAGGAAAAAGTAAAATCAGTCAG-3'
Protein context (NP_659483.2, residues 224-244): KAQDWEKHFL[Asp234=]ASTSKQSDWN

ClinVar aggregate classification (germline): Benign. Review status: criteria provided, multiple submitters, no conflicts (2 of 4 stars). 7 submissions from 7 submitters: Benign (6). 1 of the submissions does not count toward it. Last evaluated 2026-02-04.

Conditions:
Cardiovascular phenotype. Identifiers: MedGen CN230736.
Hypertrophic cardiomyopathy 19. Also called: Familial hypertrophic cardiomyopathy 19. Identifiers: MedGen CN077603, MONDO:0013476.

Allele frequency attached by ClinVar (database versions not stated): gnomAD exomes 0.14064 and 0.16295; 1000 Genomes Project 0.14457; 1000 Genomes Project 30x 0.14491; ExAC 0.14915; TOPMed 0.15851; gnomAD 0.16072 and 0.16282; ESP Exome Variant Server 0.16977.
gnomAD v4.1: 261,918 of 1,612,952 alleles (16%); highest among the groups gnomAD compares: African/African-American, 18%; 22,171 homozygotes.

Submissions (7):

Labcorp Genetics (formerly Invitae), Labcorp
Classification: Benign for Hypertrophic cardiomyopathy 19. Last evaluated: 2026-02-04. Review status: criteria provided, single submitter. Criteria: Invitae Variant Classification Sherloc (09022015). Collection method: clinical testing. Allele origin: germline.

GeneDx
Classification: Benign. Last evaluated: 2017-10-26. Review status: criteria provided, single submitter. Criteria: GeneDx Variant Classification (06012015). Collection method: clinical testing. Allele origin: germline. Affected: yes.
Comment: This variant is considered likely benign or benign based on one or more of the following criteria: it is a conservative change, it occurs at a poorly conserved position in the protein, it is predicted to be benign by multiple in silico algorithms, and/or has population frequency not consistent with disease.

Women's Health and Genetics/Laboratory Corporation of America, LabCorp
Classification: Benign. Last evaluated: 2017-08-17. Review status: criteria provided, single submitter. Criteria: LabCorp Variant Classification Summary - May 2015. Collection method: clinical testing. Allele origin: germline.
Comment: Variant summary: The CALR3 c.702C>T (p.Asp234Asp) variant involves the alteration of a non-conserved nucleotide, resulting in a synonymous change. Mutation taster predicts a polymorphism outcome for this variant. 4/5 splice prediction tools predict no significant impact on normal splicing. ESE finder predicts that this variant may affect ESE site of SF2/ASF. However, these predictions have yet to be confirmed by functional studies. This variant was found in 17385/116562 control chromosomes (1335 homozygotes) from ExAC at a frequency of 0.1491481, which is approximately 5966 times the estimated maximal expected allele frequency of a pathogenic CALR3 variant (0.000025), thus this variant is a common benign polymorphism. To our knowledge, this variant has not been reported in affected individuals in literature. Taken together, this variant is classified as benign.

Clinical Genetics DNA and cytogenetics Diagnostics Lab, Erasmus MC, Erasmus Medical Center
Classification: Benign for Hypertrophic cardiomyopathy 1. Last evaluated: 2015-09-21. Review status: criteria provided, single submitter. Criteria: ACGS Guidelines, 2013. Collection method: clinical testing. Allele origin: germline. Affected: yes. Study: VKGL Data-share Consensus.

Ambry Genetics
Classification: Benign for Cardiovascular phenotype. Last evaluated: 2013-01-16. Review status: criteria provided, single submitter. Criteria: Ambry Autosomal Dominant and X-Linked criteria (10/2015). Collection method: clinical testing. Allele origin: germline. Observed: 1 variant allele.
Comment: General population or subpopulation frequency is too high to be a pathogenic mutation based on disease/syndrome prevalence and penetrance

Breakthrough Genomics
Classification: Benign. Review status: criteria provided, single submitter. Criteria: ACMG Guidelines, 2015. Collection method: not provided. Allele origin: germline. Inheritance: Unknown mechanism. Affected: yes.

Clinical Genetics, Academic Medical Center
Classification: Benign. Review status: no assertion criteria provided. Collection method: clinical testing. Allele origin: germline. Affected: yes. Study: VKGL Data-share Consensus. Not counted in ClinVar's aggregate classification.